The following is an entry in ClinVar:

ClinVar aggregate classification (germline): Uncertain significance (1 of 4 stars; one submission).

Conditions:
Mitochondrial complex V (ATP synthase) deficiency, nuclear type 2. Also called: Nuclear-Encoded ATPase Deficiency, TMEM70-Related; ENCEPHALOCARDIOMYOPATHY, MITOCHONDRIAL, NEONATAL, DUE TO ATP SYNTHASE DEFICIENCY; MITOCHONDRIAL COMPLEX V (ATP SYNTHASE) DEFICIENCY, TMEM70 TYPE. Identifiers: Orphanet 1194, MedGen C3279699, MONDO:0013546, OMIM 614052.

Allele frequency attached by ClinVar (database versions not stated): gnomAD 0.00001 and 0.00003; ExAC 0.00002; gnomAD exomes 0.00002; TOPMed 0.00003; ESP Exome Variant Server 0.00015.
gnomAD v4.1: 25 of 1,613,802 alleles (0.0015%); highest among the groups gnomAD compares: African/African-American, 0.004%; no homozygotes.

Submission:

Labcorp Genetics (formerly Invitae), Labcorp
Classification: Uncertain significance for Mitochondrial complex V (ATP synthase) deficiency, nuclear type 2. Last evaluated: 2022-08-15. Review status: criteria provided, single submitter. Criteria: Invitae Variant Classification Sherloc (09022015). Collection method: clinical testing. Allele origin: germline.
Comment: This sequence change falls in intron 1 of the TMEM70 gene. It does not directly change the encoded amino acid sequence of the TMEM70 protein. This variant is present in population databases (rs375362169, gnomAD 0.007%). This variant has not been reported in the literature in individuals affected with TMEM70-related conditions. ClinVar contains an entry for this variant (Variation ID: 1445793). Algorithms developed to predict the effect of sequence changes on RNA splicing suggest that this variant may create or strengthen a splice site. In summary, the available evidence is currently insufficient to determine the role of this variant in disease. Therefore, it has been classified as a Variant of Uncertain Significance.

NM_017866.6(TMEM70):c.211-4A>G

Gene: TMEM70 (transmembrane protein 70; plus strand). Cytogenetic location: 8q21.11.
Variant type: single nucleotide variant.
Coding change: c.211-4A>G on transcript NM_017866.6 (MANE Select); 4 bases into the intron before coding-DNA position 211, A replaced by G.
Molecular consequence: intron variant.
Genome position (GRCh38, 1-based): chr8:73,978,752, A>G. VCF-style: chr8-73978752-A-G. GRCh37 (hg19) VCF-style: chr8-74890987-A-G.
Other names: c.211-4A>G (NM_001040613.3).
Identifiers: ClinVar variation 1445793 (VCV001445793.5), dbSNP rs375362169, ClinGen allele CA4783982.